The following is an entry in ClinVar:

NM_014795.4(ZEB2):c.592+7C>A

Genes: ZEB2 (zinc finger E-box binding homeobox 2; minus strand), LOC111721705 (skeletal muscle cis-regulatory module overlapping ZEB2; plus strand). Cytogenetic location: 2q22.3.
Variant type: single nucleotide variant.
Coding change: c.592+7C>A on transcript NM_014795.4 (MANE Select); 7 bases into the intron after coding-DNA position 592, C replaced by A.
Molecular consequence: intron variant.
Genome position (GRCh38, 1-based): chr2:144,404,829, G>T on the plus strand (C>A on the coding strand, the complement: ZEB2 is on the minus strand). VCF-style: chr2-144404829-G-T. GRCh37 (hg19) VCF-style: chr2-145162396-G-T.
Other names: c.520+7C>A (NM_001171653.2).
Identifiers: ClinVar variation 3353043 (VCV003353043.2).
Genomic context (GRCh38, chr2:144,404,829, plus strand): 5'-TAGTGCATTTGTAATTGTAACAGCTGCAGAGGTCAGTGCAGTGGCTAAAAATGATTTACA[G>T]CCTCACCATTTTCTTCTTGCCCATTGGCCTCTGGCGTGCCAAGGCGAGACAGCTCCTCAG-3'

ClinVar aggregate classification (germline): Uncertain significance. Review status: criteria provided, single submitter (1 of 4 stars). 2 submissions from 2 submitters: Uncertain significance (1). 1 of the submissions does not count toward it. Last evaluated 2022-10-21.

Conditions:
ZEB2-related disorder. Also called: ZEB2-related condition.

Submissions (2):

Blueprint Genetics
Classification: Uncertain significance. Last evaluated: 2022-10-21. Review status: criteria provided, single submitter. Criteria: ACMG Guidelines, 2015. Collection method: clinical testing. Allele origin: germline.

PreventionGenetics, part of Exact Sciences
Classification: Likely benign for ZEB2-related condition. Last evaluated: 2024-04-12. Review status: no assertion criteria provided. Collection method: clinical testing. Allele origin: germline. Not counted in ClinVar's aggregate classification.
Comment: This variant is classified as likely benign based on ACMG/AMP sequence variant interpretation guidelines (Richards et al. 2015 PMID: 25741868, with internal and published modifications).